The following is an entry in ClinVar:

NM_002769.5(PRSS1):c.527del (p.Pro176fs)

Genes: PRSS1 (serine protease 1; plus strand), TRB (T cell receptor beta locus; plus strand). Cytogenetic location: 7q34.
Variant type: Deletion.
Coding change: c.527del on transcript NM_002769.5 (MANE Select); coding-DNA position 527, one base deleted (C; older notation c.527delC).
Protein change: p.Pro176fs; shifts the reading frame from proline 176.
Molecular consequence: frameshift variant. On other transcripts: non-coding transcript variant (5).
Genome position (GRCh38, 1-based): chr7:142,752,503, C deleted; the last of 3 consecutive C bases (chr7:142,752,501-142,752,503); deleting any one gives the same sequence. VCF-style (leftmost placement, unchanged base first): chr7-142752500-AC-A. GRCh37 (hg19) VCF-style: chr7-142460351-AC-A.
Other names: short protein forms P176fs.
Identifiers: ClinVar variation 2560444 (VCV002560444.3), dbSNP rs1181629887, ClinGen allele CA834445391.

ClinVar aggregate classification (germline): Uncertain significance (1 of 4 stars; one submission).

Conditions:
Hereditary pancreatitis (PCTT). Also called: Hereditary chronic pancreatitis; PRSS1-Related Hereditary Pancreatitis. Identifiers: Orphanet 676, MedGen C0238339, MONDO:0008185, OMIM 167800.

Submission:

Ambry Genetics
Classification: Uncertain significance for Hereditary pancreatitis. Last evaluated: 2025-04-29. Review status: criteria provided, single submitter. Criteria: Ambry Variant Classification Scheme 2023. Collection method: clinical testing. Allele origin: germline.
Comment: The c.527delC variant, located in coding exon 4 of the PRSS1 gene, results from a deletion of one nucleotide at nucleotide position 527, causing a translational frameshift with a predicted alternate stop codon (p.P176Lfs*61). This alteration occurs at the 3' terminus of thePRSS1 gene, is not expected to trigger nonsense-mediated mRNAdecay, and only impacts the last 12 amino acids of the protein. The exact functional effect of this alteration is unknown and loss of function of PRSS1 has not been established as a mechanism of disease. Based on the available evidence, the clinical significance of this variant remains unclear.